The following is an entry in ClinVar:

NM_005529.7(HSPG2):c.10187C>T (p.Ala3396Val)

Gene: HSPG2 (heparan sulfate proteoglycan 2; minus strand). Cytogenetic location: 1p36.12.
Variant type: single nucleotide variant.
Coding change: c.10187C>T on transcript NM_005529.7 (MANE Select); coding-DNA position 10187, C replaced by T.
Protein change: p.Ala3396Val; replaces alanine 3396 with valine.
Molecular consequence: missense variant.
Genome position (GRCh38, 1-based): chr1:21,836,970, G>A on the plus strand (C>T on the coding strand, the complement: HSPG2 is on the minus strand). VCF-style: chr1-21836970-G-A. GRCh37 (hg19) VCF-style: chr1-22163463-G-A.
Other names: c.10190C>T, p.Ala3397Val (NM_001291860.2); short protein forms A3396V, A3397V.
Identifiers: ClinVar variation 289408 (VCV000289408.25), dbSNP rs200225298, ClinGen allele CA670199.
Genomic context (GRCh38, chr1:21,836,970, plus strand): 5'-CTGGCCCCAATGCTCTTGGTCTCTAGCTGAGGCGTGACCTGCACGGTGGGCGTGGACCCT[G>A]CTGGGATGGAGGTGGCAGGGAGAGAGCCGGGAGGGCCTGCGGGGACATGTATGAGGTTCT-3'
Protein context (NP_005520.4, residues 3386-3406): PGSLPATSIP[Ala3396Val]GSTPTVQVTP

ClinVar aggregate classification (germline): Conflicting classifications of pathogenicity. Review status: criteria provided, conflicting classifications (1 of 4 stars). 10 submissions from 9 submitters: Uncertain significance (6); Likely benign (4). Last evaluated 2025-12-25.

Conditions:
Inborn genetic diseases. Identifiers: MedGen C0950123, MeSH D030342.
Lethal Kniest-like syndrome (DDSH). Also called: Dyssegmental Dysplasia. Identifiers: Orphanet 1865, MedGen C1857100, MONDO:0009140, OMIM 224410.
Schwartz-Jampel syndrome. Also called: Myotonic myopathy dwarfism chondrodystrophy and ocular and facial abnormalities. Identifiers: Orphanet 800, MedGen C0036391, MONDO:0009717.
HSPG2-related disorder. Also called: HSPG2-related condition; HSPG2-related disorders.

Allele frequency attached by ClinVar (database versions not stated): ESP Exome Variant Server 0.00023; ExAC 0.00028; gnomAD 0.00039 and 0.00043; gnomAD exomes 0.00044 and 0.00058; TOPMed 0.00063.
gnomAD v4.1: 878 of 1,554,222 alleles (0.056%); highest among the groups gnomAD compares: Middle Eastern, 0.53%; 4 homozygotes.

Submissions (12):

Labcorp Genetics (formerly Invitae), Labcorp
Classification: Likely benign. Last evaluated: 2025-12-25. Review status: criteria provided, single submitter. Criteria: Invitae Variant Classification Sherloc (09022015). Collection method: clinical testing. Allele origin: germline.

PreventionGenetics, part of Exact Sciences
Classification: Likely benign for HSPG2-related condition. Last evaluated: 2025-10-13. Review status: criteria provided, single submitter. Criteria: ACMG Guidelines, 2015. Collection method: clinical testing. Allele origin: germline.
Comment: This variant is classified as likely benign based on ACMG/AMP sequence variant interpretation guidelines (Richards et al. 2015 PMID: 25741868, with internal and published modifications).

Blueprint Genetics
Classification: Likely benign. Last evaluated: 2024-11-11. Review status: criteria provided, single submitter. Criteria: ACMG Guidelines, 2015. Collection method: clinical testing. Allele origin: germline.

Ambry Genetics
Classification: Uncertain significance for Inborn genetic diseases. Last evaluated: 2022-06-09. Review status: criteria provided, single submitter. Criteria: Ambry Variant Classification Scheme 2023. Collection method: clinical testing. Allele origin: germline.

GeneDx
Classification: Likely benign. Last evaluated: 2020-03-13. Review status: criteria provided, single submitter. Criteria: GeneDx Variant Classification Process June 2021. Collection method: clinical testing. Allele origin: germline. Affected: yes.

Revvity Omics, Revvity
Classification: Uncertain significance. Last evaluated: 2019-11-15. Review status: criteria provided, single submitter. Criteria: ACMG Guidelines, 2015. Collection method: clinical testing. Allele origin: germline.

Eurofins Ntd Llc (ga)
Classification: Uncertain significance. Last evaluated: 2018-06-27. Review status: criteria provided, single submitter. Criteria: EGL ClinVar v180209 classification definitions. Collection method: clinical testing. Allele origin: germline. Observed: 3 variant alleles, 3 heterozygotes.

Illumina Laboratory Services, Illumina
Classification: Uncertain significance for Lethal Kniest-like syndrome. Last evaluated: 2017-04-28. Review status: criteria provided, single submitter. Criteria: ICSL Variant Classification Criteria 13 December 2019. Collection method: clinical testing. Allele origin: germline.

Illumina Laboratory Services, Illumina
Classification: Uncertain significance for Schwartz-Jampel syndrome type 1. Last evaluated: 2017-04-28. Review status: criteria provided, single submitter. Criteria: ICSL Variant Classification Criteria 13 December 2019. Collection method: clinical testing. Allele origin: germline.

Athena Diagnostics
Classification: Uncertain significance. Last evaluated: 2016-09-12. Review status: criteria provided, single submitter. Criteria: Athena Diagnostics Criteria. Collection method: clinical testing. Allele origin: germline.

Dr. Peter K. Rogan Lab, Western University
No classification provided (evidence only). Condition: Cervical cancer. Review status: no classification provided. Collection method: in vitro. Allele origin: not applicable. Functional consequence: skipped exon, retained intron. Not counted in ClinVar's aggregate classification.

Dr. Peter K. Rogan Lab, Western University
No classification provided (evidence only). Condition: Ovarian serous cystadenocarcinoma. Review status: no classification provided. Collection method: in vitro. Allele origin: not applicable. Functional consequence: skipped exon, retained intron. Not counted in ClinVar's aggregate classification.